The following is an entry in ClinVar:

ClinVar aggregate classification (germline): Uncertain significance (1 of 4 stars; one submission).

Conditions:
PRPH2-related disorder. Also called: PRPH2-related disorders; PRPH2-related condition. Identifiers: MedGen CN239395.

gnomAD v4.1: 1 of 1,613,904 alleles (0.000062%); highest among the groups gnomAD compares: Non-Finnish European, 0.000085%; no homozygotes.

Submission:

Labcorp Genetics (formerly Invitae), Labcorp
Classification: Uncertain significance for PRPH2-related disorder. Last evaluated: 2024-10-22. Review status: criteria provided, single submitter. Criteria: Invitae Variant Classification Sherloc (09022015). Collection method: clinical testing. Allele origin: germline.
Comment: This sequence change replaces serine, which is neutral and polar, with asparagine, which is neutral and polar, at codon 322 of the PRPH2 protein (p.Ser322Asn). This variant is not present in population databases (gnomAD no frequency). This variant has not been reported in the literature in individuals affected with PRPH2-related conditions. Invitae Evidence Modeling of protein sequence and biophysical properties (such as structural, functional, and spatial information, amino acid conservation, physicochemical variation, residue mobility, and thermodynamic stability) indicates that this missense variant is not expected to disrupt PRPH2 protein function with a negative predictive value of 95%. In summary, the available evidence is currently insufficient to determine the role of this variant in disease. Therefore, it has been classified as a Variant of Uncertain Significance.

NM_000322.5(PRPH2):c.965G>A (p.Ser322Asn)

Gene: PRPH2 (peripherin 2; minus strand). Cytogenetic location: 6p21.1.
Variant type: single nucleotide variant.
Coding change: c.965G>A on transcript NM_000322.5 (MANE Select); coding-DNA position 965, G replaced by A.
Protein change: p.Ser322Asn; replaces serine 322 with asparagine.
Molecular consequence: missense variant.
Genome position (GRCh38, 1-based): chr6:42,698,371, C>T on the plus strand (G>A on the coding strand, the complement: PRPH2 is on the minus strand). VCF-style: chr6-42698371-C-T. GRCh37 (hg19) VCF-style: chr6-42666109-C-T.
Other names: short protein forms S322N.
Identifiers: ClinVar variation 3692731 (VCV003692731.2).
Genomic context (GRCh38, chr6:42,698,371, plus strand): 5'-GCCTGGCCTGCGTCTGCGCCCTCGGCTTCCACCTGGTTGCCCTTGCCCAGCTTCTTCACA[C>T]TCTCCAGAAAGGCCTTCCAGGTCTCCGGCACGCTCCTCTCCAGCAGCCAGCCCTGGCTCT-3'
Protein context (NP_000313.2, residues 312-332): VPETWKAFLE[Ser322Asn]VKKLGKGNQV